The following is an entry in ClinVar:

ClinVar aggregate classification (germline): Uncertain significance (1 of 4 stars; one submission).

Submission:

Ambry Genetics
Classification: Uncertain significance. Last evaluated: 2022-11-19. Review status: criteria provided, single submitter. Criteria: Ambry Variant Classification Scheme 2023. Collection method: clinical testing. Allele origin: germline.
Comment: The p.F926L variant (also known as c.2778T>G), located in coding exon 13 of the NPAT gene, results from a T to G substitution at nucleotide position 2778. The phenylalanine at codon 926 is replaced by leucine, an amino acid with highly similar properties. This amino acid position is conserved. In addition, this alteration is predicted to be tolerated by in silico analysis. Since supporting evidence is limited at this time, the clinical significance of this alteration remains unclear.

NM_002519.3(NPAT):c.2778T>G (p.Phe926Leu)

Gene: NPAT (nuclear protein, coactivator of histone transcription; minus strand). Cytogenetic location: 11q22.3.
Variant type: single nucleotide variant.
Coding change: c.2778T>G on transcript NM_002519.3 (MANE Select); coding-DNA position 2778, T replaced by G.
Protein change: p.Phe926Leu; replaces phenylalanine 926 with leucine.
Molecular consequence: missense variant.
Genome position (GRCh38, 1-based): chr11:108,172,206, A>C on the plus strand (T>G on the coding strand, the complement: NPAT is on the minus strand). VCF-style: chr11-108172206-A-C. GRCh37 (hg19) VCF-style: chr11-108042933-A-C.
Other names: c.2778T>G, p.Phe926Leu (NM_001321307.1); short protein forms F926L.
Identifiers: ClinVar variation 2496687 (VCV002496687.2), dbSNP rs2496716064, ClinGen allele CA382512257.